The following is an entry in ClinVar:

NM_000868.4(HTR2C):c.660C>T (p.Phe220=)

Genes: HTR2C (5-hydroxytryptamine receptor 2C; plus strand), LOC126863306 (MED14-independent group 3 enhancer GRCh37_chrX:114140926-114142125; plus strand). Cytogenetic location: Xq23.
Variant type: single nucleotide variant.
Coding change: c.660C>T on transcript NM_000868.4 (MANE Select); coding-DNA position 660, C replaced by T.
Protein change: p.Phe220=; no amino-acid change (phenylalanine 220 retained).
Molecular consequence: synonymous variant. On other transcripts: missense variant (1).
Genome position (GRCh38, 1-based): chrX:114,906,698, C>T. VCF-style: chrX-114906698-C-T. GRCh37 (hg19) VCF-style: chrX-114141261-C-T.
Other names: c.660C>T, p.Phe220= (NM_001256760.3); c.565C>T, p.Arg189Cys (NM_001256761.3); short protein forms R189C.
Identifiers: ClinVar variation 3044760 (VCV003044760.2), dbSNP rs781957272, ClinGen allele CA10495500.
Genomic context (GRCh38, chrX:114,906,698, plus strand): 5'-GTTCGTGAACAACACGACGTGCGTGCTCAACGACCCAAATTTCGTTCTTATTGGGTCCTT[C>T]GTAGCTTTCTTCATACCGCTGACGATTATGGTGATTACGTATTGCCTGACCATCTACGTT-3'
Protein context (NP_000859.2, residues 210-230): NDPNFVLIGS[Phe220=]VAFFIPLTIM

ClinVar aggregate classification (germline): Likely benign (0 of 4 stars; one submission).

Conditions:
HTR2C-related disorder. Also called: HTR2C-related condition.

Allele frequency attached by ClinVar (database versions not stated): ExAC 0.00002; gnomAD 0.00002; gnomAD exomes 0.00002; TOPMed 0.00003.
gnomAD v4.1: 23 of 1,208,785 alleles (0.0019%); highest among the groups gnomAD compares: Admixed American, 0.037%; no homozygotes.

Submission:

PreventionGenetics, part of Exact Sciences
Classification: Likely benign for HTR2C-related condition. Last evaluated: 2023-11-17. Review status: no assertion criteria provided. Collection method: clinical testing. Allele origin: germline.
Comment: This variant is classified as likely benign based on ACMG/AMP sequence variant interpretation guidelines (Richards et al. 2015 PMID: 25741868, with internal and published modifications).